The following is an entry in ClinVar:

NM_005032.7(PLS3):c.1383A>T (p.Glu461Asp)

Gene: PLS3 (plastin 3; plus strand). Cytogenetic location: Xq23.
Variant type: single nucleotide variant.
Coding change: c.1383A>T on transcript NM_005032.7 (MANE Select); coding-DNA position 1383, A replaced by T.
Protein change: p.Glu461Asp; replaces glutamic acid 461 with aspartic acid.
Molecular consequence: missense variant.
Genome position (GRCh38, 1-based): chrX:115,646,407, A>T. VCF-style: chrX-115646407-A-T. GRCh37 (hg19) VCF-style: chrX-114880727-A-T.
Other names: c.1383A>T, p.Glu461Asp (NM_001136025.5, NM_001440791.1, NM_001440792.1); c.1302A>T, p.Glu434Asp (NM_001172335.3); c.1344A>T, p.Glu448Asp (NM_001282337.2); c.1248A>T, p.Glu416Asp (NM_001282338.2); short protein forms E434D, E448D, E461D, E416D.
Identifiers: ClinVar variation 4773157 (VCV004773157.1).
Genomic context (GRCh38, chrX:115,646,407, plus strand): 5'-GTATGCAGATTAAACAAATGGAAGTCTTTAACCATTTACTCTTGTGCCTTTGCAGCTAGA[A>T]AACTGCAACTATGCTGTTGAATTAGGGAAGCATCCTGCTAAATTCTCCCTGGTTGGCATT-3'
Protein context (NP_005023.2, residues 451-471): PKLGANMKKL[Glu461Asp]NCNYAVELGK

ClinVar aggregate classification (germline): Uncertain significance (1 of 4 stars; one submission).

Submission:

Labcorp Genetics (formerly Invitae), Labcorp
Classification: Uncertain significance. Last evaluated: 2025-10-26. Review status: criteria provided, single submitter. Criteria: Invitae Variant Classification Sherloc (09022015). Collection method: clinical testing. Allele origin: germline.
Comment: This sequence change replaces glutamic acid, which is acidic and polar, with aspartic acid, which is acidic and polar, at codon 461 of the PLS3 protein (p.Glu461Asp). This variant is not present in population databases (gnomAD no frequency). This variant has not been reported in the literature in individuals affected with PLS3-related conditions. Invitae Evidence Modeling of protein sequence and biophysical properties (such as structural, functional, and spatial information, amino acid conservation, physicochemical variation, residue mobility, and thermodynamic stability) has been performed for this missense variant. However, the output from this modeling did not meet the statistical confidence thresholds required to predict the impact of this variant on PLS3 protein function. In summary, the available evidence is currently insufficient to determine the role of this variant in disease. Therefore, it has been classified as a Variant of Uncertain Significance.